The following is an entry in ClinVar:

NM_001256627.2(BRSK2):c.1939+300G>A

Gene: BRSK2 (BR serine/threonine kinase 2; plus strand). Cytogenetic location: 11p15.5.
Variant type: single nucleotide variant.
Coding change: c.1939+300G>A on transcript NM_001256627.2 (MANE Select); 300 bases into the intron after coding-DNA position 1939, G replaced by A.
Molecular consequence: intron variant. On other transcripts: missense variant (2), non-coding transcript variant (1).
Genome position (GRCh38, 1-based): chr11:1,456,987, G>A. VCF-style: chr11-1456987-G-A. GRCh37 (hg19) VCF-style: chr11-1478217-G-A.
Other names: c.1972G>A, p.Gly658Ser (NM_001256629.2); c.1792G>A, p.Gly598Ser (NM_001282218.2); c.1939+300G>A (NM_003957.4); c.2077+300G>A (NM_001256630.1); short protein forms G598S, G658S.
Identifiers: ClinVar variation 1704852 (VCV001704852.2), dbSNP rs1005329703, ClinGen allele CA379080620.

ClinVar aggregate classification (germline): Uncertain significance (1 of 4 stars; one submission).

gnomAD v4.1: 2 of 1,597,360 alleles (0.00013%); highest among the groups gnomAD compares: African/African-American, 0.0013%; no homozygotes.

Submission:

GeneDx
Classification: Uncertain significance. Last evaluated: 2022-03-10. Review status: criteria provided, single submitter. Criteria: GeneDx Variant Classification Process June 2021. Collection method: clinical testing. Allele origin: germline. Affected: yes.
Comment: Located in an alternate transcript of the gene; Not observed at significant frequency in large population cohorts (gnomAD); In silico analysis supports that this missense variant does not alter protein structure/function; Has not been previously published as pathogenic or benign to our knowledge